The following is an entry in ClinVar:

ClinVar aggregate classification (germline): Uncertain significance (1 of 4 stars; one submission).

Conditions:
Baller-Gerold syndrome (BGS). Also called: CRANIOSYNOSTOSIS WITH RADIAL DEFECTS. Identifiers: Orphanet 1225, MedGen C0265308, MONDO:0009039, OMIM 218600.

Submission:

Labcorp Genetics (formerly Invitae), Labcorp
Classification: Uncertain significance for Baller-Gerold syndrome. Last evaluated: 2025-02-04. Review status: criteria provided, single submitter. Criteria: Invitae Variant Classification Sherloc (09022015). Collection method: clinical testing. Allele origin: germline.
Comment: This variant, c.2458_2463del, results in the deletion of 2 amino acid(s) of the RECQL4 protein (p.Pro820_Gln821del), but otherwise preserves the integrity of the reading frame. This variant is present in population databases (no rsID available, gnomAD 0.001%). This variant has not been reported in the literature in individuals affected with RECQL4-related conditions. ClinVar contains an entry for this variant (Variation ID: 572967). Experimental studies and prediction algorithms are not available or were not evaluated, and the functional significance of this variant is currently unknown. Algorithms developed to predict the effect of sequence changes on RNA splicing suggest that this variant may disrupt the consensus splice site. In summary, the available evidence is currently insufficient to determine the role of this variant in disease. Therefore, it has been classified as a Variant of Uncertain Significance.

NM_004260.4(RECQL4):c.2458_2463del (p.Pro820_Gln821del)

Gene: RECQL4 (RecQ like helicase 4; minus strand). Cytogenetic location: 8q24.3.
Variant type: Deletion.
Coding change: c.2458_2463del on transcript NM_004260.4 (MANE Select); coding-DNA positions 2458 to 2463, 6 bases deleted (CCCCAG; older notation c.2458_2463delCCCCAG).
Protein change: p.Pro820_Gln821del.
Molecular consequence: inframe deletion.
Genome position (GRCh38, 1-based): chr8:144,513,218-144,513,223, CTGGGG deleted on the plus strand (CCCCAG on the coding strand, the reverse complement: RECQL4 is on the minus strand); deleting any 6 consecutive bases within chr8:144,513,218-144,513,226 gives the same sequence; the c. name uses the placement nearest the transcript's 3' end. VCF-style (leftmost placement, unchanged base first): chr8-144513217-CCTGGGG-C. GRCh37 (hg19) VCF-style: chr8-145738600-CCTGGGG-C.
Other names: c.2458_2463delCCCCAG (NM_004260.3).
Identifiers: ClinVar variation 572967 (VCV000572967.6), dbSNP rs1247860633, ClinGen allele CA586165235.